The following is an entry in ClinVar:

ClinVar aggregate classification (germline): Pathogenic/Likely pathogenic. Review status: criteria provided, multiple submitters, no conflicts (2 of 4 stars). 3 submissions from 3 submitters: Pathogenic (1); Likely pathogenic (2). Last evaluated 2023-05-23.

Conditions:
Neurodevelopmental disorder with or without anomalies of the brain, eye, or heart (NEDBEH). Identifiers: Orphanet 494344, MedGen C5567477, MONDO:0014857, OMIM 616975.
Neurodevelopmental disorder. Identifiers: MedGen C1535926, MeSH D065886, MONDO:0700092.

Submissions (3):

Laboratory of Molecular Genetics (Pr. Bezieau's lab), CHU de Nantes
Classification: Likely pathogenic for Neurodevelopmental disorder. Last evaluated: 2023-05-23. Review status: criteria provided, single submitter. Criteria: ACMG Guidelines, 2015. Collection method: clinical testing. Allele origin: germline. Affected: yes.

Laboratorio de Genetica e Diagnostico Molecular, Hospital Israelita Albert Einstein
Classification: Likely pathogenic for Neurodevelopmental disorder with or without anomalies of the brain, eye, or heart. Last evaluated: 2023-03-03. Review status: criteria provided, single submitter. Criteria: ACMG Guidelines, 2015. Collection method: clinical testing. Allele origin: germline. Affected: yes.
Comment: ACMG classification criteria: PVS1 very strong, PM2 moderate

Labcorp Genetics (formerly Invitae), Labcorp
Classification: Pathogenic. Last evaluated: 2022-05-10. Review status: criteria provided, single submitter. Criteria: Invitae Variant Classification Sherloc (09022015). Collection method: clinical testing. Allele origin: germline.
Comment: For these reasons, this variant has been classified as Pathogenic. This variant has not been reported in the literature in individuals affected with RERE-related conditions. This variant is not present in population databases (gnomAD no frequency). This sequence change creates a premature translational stop signal (p.Tyr1245Thrfs*12) in the RERE gene. It is expected to result in an absent or disrupted protein product. Loss-of-function variants in RERE are known to be pathogenic (PMID: 27087320).

Literature cited by the submitters: PubMed 27087320 (cited by Labcorp Genetics (formerly Invitae), Labcorp).

NM_001042681.2(RERE):c.3732del (p.Tyr1245fs)

Gene: RERE (arginine-glutamic acid dipeptide repeats; minus strand). Cytogenetic location: 1p36.23.
Variant type: Deletion.
Coding change: c.3732del on transcript NM_001042681.2 (MANE Select); coding-DNA position 3732, one base deleted (C; older notation c.3732delC).
Protein change: p.Tyr1245fs; shifts the reading frame from tyrosine 1245.
Molecular consequence: frameshift variant.
Genome position (GRCh38, 1-based): chr1:8,358,803, G deleted on the plus strand (C on the coding strand, the reverse complement: RERE is on the minus strand); the first of 6 consecutive G bases (chr1:8,358,803-8,358,808); deleting any one gives the same sequence. VCF-style (leftmost placement, unchanged base first): chr1-8358802-AG-A. GRCh37 (hg19) VCF-style: chr1-8418862-AG-A.
Other names: c.2070del, p.Tyr691fs (NM_001042682.2); c.3732del, p.Tyr1245fs (NM_012102.4); short protein forms Y1245fs, Y691fs.
Identifiers: ClinVar variation 2103062 (VCV002103062.6), dbSNP rs1641418583, ClinGen allele CA1152320476.